The following is an entry in ClinVar:

NM_000057.4(BLM):c.564G>C (p.Lys188Asn)

Gene: BLM (BLM RecQ like helicase; plus strand). Cytogenetic location: 15q26.1.
Variant type: single nucleotide variant.
Coding change: c.564G>C on transcript NM_000057.4 (MANE Select); coding-DNA position 564, G replaced by C.
Protein change: p.Lys188Asn; replaces lysine 188 with asparagine.
Molecular consequence: missense variant. On other transcripts: 5 prime UTR variant (1).
Genome position (GRCh38, 1-based): chr15:90,749,832, G>C. VCF-style: chr15-90749832-G-C. GRCh37 (hg19) VCF-style: chr15-91293062-G-C.
Other names: c.564G>C, p.Lys188Asn (NM_001287246.2, NM_001287247.2); c.-728G>C (NM_001287248.2); c.564G>C (NM_000057.2); short protein forms K188N.
Identifiers: ClinVar variation 1409382 (VCV001409382.7), dbSNP rs1596218841, ClinGen allele CA393841062.
Genomic context (GRCh38, chr15:90,749,832, plus strand): 5'-ATTTGTTACACCACCCCAAAGTCACTTTGTAAGAGTAAGCACTGCTCAGAAATCAAAAAA[G>C]GGTAAGAGAAACTTTTTTAAAGCACAGCTTTATACAACAAACACAGTAAAGACTGATTTG-3'
Protein context (NP_000048.1, residues 178-198): VRVSTAQKSK[Lys188Asn]GKRNFFKAQL

ClinVar aggregate classification (germline): Uncertain significance. Review status: criteria provided, multiple submitters, no conflicts (2 of 4 stars). 2 submissions from 2 submitters: Uncertain significance (2). Last evaluated 2025-11-09.

Conditions:
Bloom syndrome (BLM). Also called: Bloom-Torre-Machacek syndrome. Identifiers: Orphanet 125, MedGen C0005859, MONDO:0008876, OMIM 210900.
Hereditary cancer-predisposing syndrome. Also called: Hereditary Cancer Syndrome; Tumor predisposition; Hereditary neoplastic syndrome; Neoplastic Syndromes, Hereditary. Identifiers: Orphanet 140162, MedGen C0027672, MeSH D009386, MONDO:0015356.

Submissions (2):

Ambry Genetics
Classification: Uncertain significance for Hereditary cancer-predisposing syndrome. Last evaluated: 2025-11-09. Review status: criteria provided, single submitter. Criteria: Ambry Variant Classification Scheme 2023. Collection method: clinical testing. Allele origin: germline.
Comment: The p.K188N variant (also known as c.564G>C), located in coding exon 2 of the BLM gene, results from a G to C substitution at nucleotide position 564. The lysine at codon 188 is replaced by asparagine, an amino acid with similar properties. This amino acid position is conserved. In addition, this alteration is predicted to be tolerated by in silico analysis. Based on the available evidence, the clinical significance of this variant remains unclear.

Labcorp Genetics (formerly Invitae), Labcorp
Classification: Uncertain significance for Bloom syndrome. Last evaluated: 2021-08-25. Review status: criteria provided, single submitter. Criteria: Invitae Variant Classification Sherloc (09022015). Collection method: clinical testing. Allele origin: germline.
Comment: In summary, the available evidence is currently insufficient to determine the role of this variant in disease. Therefore, it has been classified as a Variant of Uncertain Significance. Algorithms developed to predict the effect of missense changes on protein structure and function (SIFT, PolyPhen-2, Align-GVGD) all suggest that this variant is likely to be tolerated. This variant has not been reported in the literature in individuals affected with BLM-related conditions. This variant is not present in population databases (ExAC no frequency). This sequence change replaces lysine with asparagine at codon 188 of the BLM protein (p.Lys188Asn). The lysine residue is weakly conserved and there is a moderate physicochemical difference between lysine and asparagine.